The following is an entry in ClinVar:

NM_001943.5(DSG2):c.2632T>C (p.Ser878Pro)

Genes: DSG2 (desmoglein 2; plus strand), DSG2-AS1 (DSG2 antisense RNA 1; minus strand). Cytogenetic location: 18q12.1.
Variant type: single nucleotide variant.
Coding change: c.2632T>C on transcript NM_001943.5 (MANE Select); coding-DNA position 2632, T replaced by C.
Protein change: p.Ser878Pro; replaces serine 878 with proline.
Molecular consequence: missense variant.
Genome position (GRCh38, 1-based): chr18:31,546,018, T>C. VCF-style: chr18-31546018-T-C. GRCh37 (hg19) VCF-style: chr18-29125981-T-C.
Other names: short protein forms S878P.
Identifiers: ClinVar variation 3842620 (VCV003842620.1).

ClinVar aggregate classification (germline): Uncertain significance (1 of 4 stars; one submission).

Conditions:
Cardiovascular phenotype. Identifiers: MedGen CN230736.

gnomAD v4.1: 1 of 1,614,158 alleles (0.000062%); highest among the groups gnomAD compares: Admixed American, 0.0017%; no homozygotes.

Submission:

Ambry Genetics
Classification: Uncertain significance for Cardiovascular phenotype. Last evaluated: 2025-01-13. Review status: criteria provided, single submitter. Criteria: Ambry Variant Classification Scheme 2023. Collection method: clinical testing. Allele origin: germline.
Comment: The p.S878P variant (also known as c.2632T>C), located in coding exon 15 of the DSG2 gene, results from a T to C substitution at nucleotide position 2632. The serine at codon 878 is replaced by proline, an amino acid with similar properties. This amino acid position is conserved. In addition, this alteration is predicted to be tolerated by in silico analysis. Based on the available evidence, the clinical significance of this variant remains unclear.